The following is an entry in ClinVar:

ClinVar aggregate classification (germline): Uncertain significance. Review status: criteria provided, multiple submitters, no conflicts (2 of 4 stars). 3 submissions from 3 submitters: Uncertain significance (2). 1 of the submissions does not count toward it. Last evaluated 2021-08-31.

Conditions:
Primary ciliary dyskinesia. Also called: Ciliary dyskinesia. Identifiers: Orphanet 244, MedGen C0008780, MONDO:0016575, HP:0012265.

Allele frequency attached by ClinVar (database versions not stated): gnomAD exomes below 0.00001 and 0.00001; gnomAD 0.00001; TOPMed 0.00001.
gnomAD v4.1: 11 of 1,614,044 alleles (0.00068%); highest among the groups gnomAD compares: African/African-American, 0.0013%; no homozygotes.

Submissions (3):

Labcorp Genetics (formerly Invitae), Labcorp
Classification: Uncertain significance for Primary ciliary dyskinesia. Last evaluated: 2021-08-31. Review status: criteria provided, single submitter. Criteria: Invitae Variant Classification Sherloc (09022015). Collection method: clinical testing. Allele origin: germline.
Comment: This sequence change replaces cysteine with arginine at codon 4514 of the DNAH5 protein (p.Cys4514Arg). The cysteine residue is moderately conserved and there is a large physicochemical difference between cysteine and arginine. This variant is not present in population databases (ExAC no frequency). This variant has not been reported in the literature in individuals affected with DNAH5-related conditions. Algorithms developed to predict the effect of missense changes on protein structure and function are either unavailable or do not agree on the potential impact of this missense change (SIFT: "Tolerated"; PolyPhen-2: "Possibly Damaging"; Align-GVGD: "Class C0"). In summary, the available evidence is currently insufficient to determine the role of this variant in disease. Therefore, it has been classified as a Variant of Uncertain Significance.

Ambry Genetics
Classification: Uncertain significance for Primary ciliary dyskinesia. Last evaluated: 2015-03-19. Review status: criteria provided, single submitter. Criteria: Ambry Variant Classification Scheme 2023. Collection method: clinical testing. Allele origin: germline.
Comment: The p.C4514R variant (also known as c.13540T>C), located in coding exon 78 of the DNAH5 gene, results from a T to C substitution at nucleotide position 13540. The cysteine at codon 4514 is replaced by arginine, an amino acid with highly dissimilar properties. This variant was not reported in population based cohorts in the following databases: Database of Single Nucleotide Polymorphisms (dbSNP), NHLBI Exome Sequencing Project (ESP), and 1000 Genomes Project. In the ESP, this variant was not observed in 6503 samples (13006 alleles) with coverage at this position. This amino acid position is highly conserved in available vertebrate species, except fish. In addition, the in silico prediction for this alteration is inconclusive. Since supporting evidence is limited at this time, the clinical significance of this variant remains unclear.

Natera, Inc.
Classification: Uncertain significance for Primary ciliary dyskinesia. Last evaluated: 2021-06-10. Review status: no assertion criteria provided. Collection method: clinical testing. Allele origin: germline. Not counted in ClinVar's aggregate classification.

NM_001369.3(DNAH5):c.13540T>C (p.Cys4514Arg)

Gene: DNAH5 (dynein axonemal heavy chain 5; minus strand). Cytogenetic location: 5p15.2.
Variant type: single nucleotide variant.
Coding change: c.13540T>C on transcript NM_001369.3 (MANE Select); coding-DNA position 13540, T replaced by C.
Protein change: p.Cys4514Arg; replaces cysteine 4514 with arginine.
Molecular consequence: missense variant.
Genome position (GRCh38, 1-based): chr5:13,700,823, A>G on the plus strand (T>C on the coding strand, the complement: DNAH5 is on the minus strand). VCF-style: chr5-13700823-A-G. GRCh37 (hg19) VCF-style: chr5-13700932-A-G.
Other names: short protein forms C4514R.
Identifiers: ClinVar variation 937349 (VCV000937349.13), dbSNP rs916403814, ClinGen allele CA113908185.